The following is an entry in ClinVar:

NM_001374353.1(GLI2):c.2432C>T (p.Pro811Leu)

Gene: GLI2 (GLI family zinc finger 2; plus strand). Cytogenetic location: 2q14.2.
Variant type: single nucleotide variant.
Coding change: c.2432C>T on transcript NM_001374353.1 (MANE Select); coding-DNA position 2432, C replaced by T.
Protein change: p.Pro811Leu; replaces proline 811 with leucine.
Molecular consequence: missense variant.
Genome position (GRCh38, 1-based): chr2:120,988,397, C>T. VCF-style: chr2-120988397-C-T. GRCh37 (hg19) VCF-style: chr2-121745973-C-T.
Other names: c.2483C>T, p.Pro828Leu (NM_001371271.1, NM_005270.5); c.2057C>T, p.Pro686Leu (NM_001374354.1); short protein forms P686L, P811L, P828L.
Identifiers: ClinVar variation 1690602 (VCV001690602.2), dbSNP rs1192465801, ClinGen allele CA348166998.

ClinVar aggregate classification (germline): Uncertain significance (1 of 4 stars; one submission).

Allele frequency attached by ClinVar (database versions not stated): TOPMed below 0.00001.
gnomAD v4.1: 6 of 1,573,732 alleles (0.00038%); highest among the groups gnomAD compares: Admixed American, 0.0017%; no homozygotes.

Submission:

Laboratorio de Genetica e Diagnostico Molecular, Hospital Israelita Albert Einstein
Classification: Uncertain significance. Last evaluated: 2022-04-14. Review status: criteria provided, single submitter. Criteria: ACMG Guidelines, 2015. Collection method: clinical testing. Allele origin: germline. Affected: yes.
Comment: ACMG classification criteria: PM2